The following is an entry in ClinVar:

NM_182925.5(FLT4):c.1212C>T (p.Ser404=)

Gene: FLT4 (fms related receptor tyrosine kinase 4; minus strand). Cytogenetic location: 5q35.3.
Variant type: single nucleotide variant.
Coding change: c.1212C>T on transcript NM_182925.5 (MANE Select); coding-DNA position 1212, C replaced by T.
Protein change: p.Ser404=; no amino-acid change (serine 404 retained).
Molecular consequence: synonymous variant.
Genome position (GRCh38, 1-based): chr5:180,626,157, G>A on the plus strand (C>T on the coding strand, the complement: FLT4 is on the minus strand). VCF-style: chr5-180626157-G-A. GRCh37 (hg19) VCF-style: chr5-180053157-G-A.
Other names: c.1212C>T, p.Ser404= (NM_001354989.2, NM_002020.5).
Identifiers: ClinVar variation 4681494 (VCV004681494.5).

ClinVar aggregate classification (germline): Likely benign (1 of 4 stars; one submission).

gnomAD v4.1: 38 of 1,612,870 alleles (0.0024%); highest among the groups gnomAD compares: African/African-American, 0.012%; no homozygotes.

Submission:

CeGaT Center for Human Genetics Tuebingen
Classification: Likely benign. Last evaluated: 2025-12-01. Review status: criteria provided, single submitter. Criteria: CeGaT Center For Human Genetics Tuebingen Variant Classification Criteria Version 2. Collection method: clinical testing. Allele origin: germline. Affected: yes. Observed: 1 variant allele.
Comment: FLT4: BP4, BP7